The following is an entry in ClinVar:

NM_001365088.1(SLC12A6):c.634G>C (p.Val212Leu)

Genes: SLC12A6 (solute carrier family 12 member 6; minus strand), LOC129390683 (MPRA-validated peak2292 silencer; plus strand). Cytogenetic location: 15q14.
Variant type: single nucleotide variant.
Coding change: c.634G>C on transcript NM_001365088.1 (MANE Select); coding-DNA position 634, G replaced by C.
Protein change: p.Val212Leu; replaces valine 212 with leucine.
Molecular consequence: missense variant.
Genome position (GRCh38, 1-based): chr15:34,257,698, C>G on the plus strand (G>C on the coding strand, the complement: SLC12A6 is on the minus strand). VCF-style: chr15-34257698-C-G. GRCh37 (hg19) VCF-style: chr15-34549899-C-G.
Other names: c.457G>C, p.Val153Leu (NM_001042494.2, NM_001042495.2); c.607G>C, p.Val203Leu (NM_001042496.2); c.589G>C, p.Val197Leu (NM_001042497.2); c.481G>C, p.Val161Leu (NM_005135.2); c.634G>C, p.Val212Leu (NM_133647.2); short protein forms V197L, V203L, V153L, V161L, V212L.
Identifiers: ClinVar variation 1522236 (VCV001522236.8), dbSNP rs1892847916, ClinGen allele CA391612664.

ClinVar aggregate classification (germline): Uncertain significance (1 of 4 stars; one submission).

Allele frequency attached by ClinVar (database versions not stated): TOPMed below 0.00001.

Submission:

Labcorp Genetics (formerly Invitae), Labcorp
Classification: Uncertain significance. Last evaluated: 2022-08-09. Review status: criteria provided, single submitter. Criteria: Invitae Variant Classification Sherloc (09022015). Collection method: clinical testing. Allele origin: germline.
Comment: This sequence change replaces valine, which is neutral and non-polar, with leucine, which is neutral and non-polar, at codon 212 of the SLC12A6 protein (p.Val212Leu). This variant is not present in population databases (gnomAD no frequency). In summary, the available evidence is currently insufficient to determine the role of this variant in disease. Therefore, it has been classified as a Variant of Uncertain Significance. Algorithms developed to predict the effect of missense changes on protein structure and function are either unavailable or do not agree on the potential impact of this missense change (SIFT: "Tolerated"; PolyPhen-2: "Probably Damaging"; Align-GVGD: "Class C0"). ClinVar contains an entry for this variant (Variation ID: 1522236). This variant has not been reported in the literature in individuals affected with SLC12A6-related conditions.